The following is an entry in ClinVar:

ClinVar aggregate classification (germline): Uncertain significance. Review status: criteria provided, multiple submitters, no conflicts (2 of 4 stars). 2 submissions from 2 submitters: Uncertain significance (2). Last evaluated 2025-09-22.

Conditions:
Inborn genetic diseases. Identifiers: MedGen C0950123, MeSH D030342.

Allele frequency attached by ClinVar (database versions not stated): ExAC 0.00001; TOPMed 0.00001; gnomAD exomes 0.00001; gnomAD 0.00001; ESP Exome Variant Server 0.00008.
gnomAD v4.1: 9 of 1,598,872 alleles (0.00056%); highest among the groups gnomAD compares: South Asian, 0.0033%; no homozygotes.

Submissions (2):

Ambry Genetics
Classification: Uncertain significance for Inborn genetic diseases. Last evaluated: 2025-09-22. Review status: criteria provided, single submitter. Criteria: Ambry Variant Classification Scheme 2023. Collection method: clinical testing. Allele origin: germline.

Labcorp Genetics (formerly Invitae), Labcorp
Classification: Uncertain significance. Last evaluated: 2022-01-26. Review status: criteria provided, single submitter. Criteria: Invitae Variant Classification Sherloc (09022015). Collection method: clinical testing. Allele origin: germline.
Comment: This sequence change replaces cysteine, which is neutral and slightly polar, with tyrosine, which is neutral and polar, at codon 712 of the PLK4 protein (p.Cys712Tyr). The frequency data for this variant in the population databases is considered unreliable, as metrics indicate poor data quality at this position in the gnomAD database. This variant has not been reported in the literature in individuals affected with PLK4-related conditions. Algorithms developed to predict the effect of missense changes on protein structure and function are either unavailable or do not agree on the potential impact of this missense change (SIFT: "Deleterious"; PolyPhen-2: "Probably Damaging"; Align-GVGD: "Class C0"). In summary, the available evidence is currently insufficient to determine the role of this variant in disease. Therefore, it has been classified as a Variant of Uncertain Significance.

NM_014264.5(PLK4):c.2135G>A (p.Cys712Tyr)

Gene: PLK4 (polo like kinase 4; plus strand). Cytogenetic location: 4q28.1.
Variant type: single nucleotide variant.
Coding change: c.2135G>A on transcript NM_014264.5 (MANE Select); coding-DNA position 2135, G replaced by A.
Protein change: p.Cys712Tyr; replaces cysteine 712 with tyrosine.
Molecular consequence: missense variant.
Genome position (GRCh38, 1-based): chr4:127,892,461, G>A. VCF-style: chr4-127892461-G-A. GRCh37 (hg19) VCF-style: chr4-128813616-G-A.
Other names: c.2039G>A, p.Cys680Tyr (NM_001190799.2); c.2012G>A, p.Cys671Tyr (NM_001190801.2); c.2135G>A (NM_014264.4); short protein forms C712Y, C671Y, C680Y.
Identifiers: ClinVar variation 1971984 (VCV001971984.3), dbSNP rs373208121, ClinGen allele CA3076953.